The following is an entry in ClinVar:

NM_000159.4(GCDH):c.1125_1126del (p.Cys375fs)

Gene: GCDH (glutaryl-CoA dehydrogenase; plus strand). Cytogenetic location: 19p13.13.
Variant type: Microsatellite.
Coding change: c.1125_1126del on transcript NM_000159.4 (MANE Select); coding-DNA positions 1125 to 1126, 2 bases deleted (TG; older notation c.1125_1126delTG).
Protein change: p.Cys375fs; shifts the reading frame from cysteine 375.
Molecular consequence: frameshift variant. On other transcripts: non-coding transcript variant (2).
Genome position (GRCh38, 1-based): chr19:12,897,745-12,897,746, TG deleted; deleting any 2 consecutive bases within chr19:12,897,743-12,897,746 gives the same sequence; the c. name uses the placement nearest the transcript's 3' end. VCF-style (leftmost placement, unchanged base first): chr19-12897742-CTG-C. GRCh37 (hg19) VCF-style: chr19-13008556-CTG-C.
Other names: c.1125_1126del, p.Cys375fs (NM_013976.5); short protein forms C375fs.
Identifiers: ClinVar variation 2718139 (VCV002718139.3), dbSNP rs2512577344, ClinGen allele CA2697556329.
Genomic context (GRCh38, chr19:12,897,742, plus strand): 5'-ACCCTCATGTGCCACTCCCAGGGCTGCCCCCGAGATGGTTTCTCTGCTGAAGAGGAATAA[CTG>C]TGGGAAAGCCCTGGACATCGCCCGCCAGGCCCGAGACATGCTGGGGGGGAATGGGATTTC-3'

ClinVar aggregate classification (germline): Pathogenic (1 of 4 stars; one submission).

Conditions:
Glutaric aciduria, type 1. Also called: Glutaricaciduria, type I; Glutaryl-CoA dehydrogenase deficiency; Glutaric acidemia type I; Glutaricacidemia Type 1; GA I; Glutaric Acidemia Type 1. Identifiers: Orphanet 25, MedGen C0268595, MONDO:0009281, OMIM 231670.

Submission:

Labcorp Genetics (formerly Invitae), Labcorp
Classification: Pathogenic for Glutaric aciduria, type 1. Last evaluated: 2023-05-25. Review status: criteria provided, single submitter. Criteria: Invitae Variant Classification Sherloc (09022015). Collection method: clinical testing. Allele origin: germline.
Comment: This sequence change creates a premature translational stop signal (p.Cys375Trpfs*21) in the GCDH gene. It is expected to result in an absent or disrupted protein product. Loss-of-function variants in GCDH are known to be pathogenic (PMID: 10699052, 11854167, 16602100). This variant is not present in population databases (gnomAD no frequency). This variant has not been reported in the literature in individuals affected with GCDH-related conditions. For these reasons, this variant has been classified as Pathogenic.

Literature cited by the submitters: PubMed 10699052; PubMed 11854167; PubMed 16602100.